The following is an entry in ClinVar:

ClinVar aggregate classification (germline): Uncertain significance. Review status: criteria provided, multiple submitters, no conflicts (2 of 4 stars). 2 submissions from 2 submitters: Uncertain significance (2). Last evaluated 2025-12-09.

Conditions:
PHIP-related disorder. Also called: PHIP-related condition; PHIP-related disorders.

Allele frequency attached by ClinVar (database versions not stated): gnomAD 0.00001; gnomAD exomes 0.00001; TOPMed 0.00001.
gnomAD v4.1: 18 of 1,578,964 alleles (0.0011%); highest among the groups gnomAD compares: Non-Finnish European, 0.0016%; no homozygotes.

Submissions (2):

PreventionGenetics, part of Exact Sciences
Classification: Uncertain significance for PHIP-related condition. Last evaluated: 2025-12-09. Review status: criteria provided, single submitter. Criteria: ACMG Guidelines, 2015. Collection method: clinical testing. Allele origin: germline.
Comment: The PHIP c.3185A>G variant is predicted to result in the amino acid substitution p.Lys1062Arg. To our knowledge, this variant has not been reported in the literature. This variant is reported in 0.0016% of alleles in individuals of European (Non-Finnish) descent in gnomAD. At this time, the clinical significance of this variant is uncertain due to the absence of conclusive functional and genetic evidence.

Labcorp Genetics (formerly Invitae), Labcorp
Classification: Uncertain significance. Last evaluated: 2025-11-09. Review status: criteria provided, single submitter. Criteria: Invitae Variant Classification Sherloc (09022015). Collection method: clinical testing. Allele origin: germline.
Comment: This sequence change replaces lysine, which is basic and polar, with arginine, which is basic and polar, at codon 1062 of the PHIP protein (p.Lys1062Arg). This variant is present in population databases (no rsID available, gnomAD 0.002%). This variant has not been reported in the literature in individuals affected with PHIP-related conditions. ClinVar contains an entry for this variant (Variation ID: 2872683). Invitae Evidence Modeling of protein sequence and biophysical properties (such as structural, functional, and spatial information, amino acid conservation, physicochemical variation, residue mobility, and thermodynamic stability) indicates that this missense variant is not expected to disrupt PHIP protein function with a negative predictive value of 95%. In summary, the available evidence is currently insufficient to determine the role of this variant in disease. Therefore, it has been classified as a Variant of Uncertain Significance.

NM_017934.7(PHIP):c.3185A>G (p.Lys1062Arg)

Genes: IRAK1BP1 (interleukin 1 receptor associated kinase 1 binding protein 1; plus strand), PHIP (PHIP subunit of CUL4-Ring ligase complex; minus strand). Cytogenetic location: 6q14.1.
Variant type: single nucleotide variant.
Coding change: c.3185A>G on transcript NM_017934.7 (MANE Select); coding-DNA position 3185, A replaced by G.
Protein change: p.Lys1062Arg; replaces lysine 1062 with arginine.
Molecular consequence: missense variant.
Genome position (GRCh38, 1-based): chr6:78,969,855, T>C on the plus strand (A>G on the coding strand, the complement: PHIP is on the minus strand). VCF-style: chr6-78969855-T-C. GRCh37 (hg19) VCF-style: chr6-79679572-T-C.
Other names: c.3185A>G (NM_017934.6); short protein forms K1062R.
Identifiers: ClinVar variation 2872683 (VCV002872683.4), dbSNP rs899422780, ClinGen allele CA141867524.
Genomic context (GRCh38, chr6:78,969,855, plus strand): 5'-ACCACATCAAACATCGATAGCTTCTAAATAAATTACCCACCTATATTCCATCGCCTGTAT[T>C]TTGCATCATCAAATTGTTGTCTCAAGACTAGGAAATCTATAACGTCAGGCATATCATGGT-3'
Protein context (NP_060404.4, residues 1052-1072): LVLRQQFDDA[Lys1062Arg]YRRWNIGDRF